The following is an entry in ClinVar:

NM_016343.4(CENPF):c.8575G>T (p.Glu2859Ter)

Gene: CENPF (centromere protein F; plus strand). Cytogenetic location: 1q41.
Variant type: single nucleotide variant.
Coding change: c.8575G>T on transcript NM_016343.4 (MANE Select); coding-DNA position 8575, G replaced by T.
Protein change: p.Glu2859Ter; replaces glutamic acid 2859 with a stop codon.
Molecular consequence: nonsense.
Genome position (GRCh38, 1-based): chr1:214,657,022, G>T. VCF-style: chr1-214657022-G-T. GRCh37 (hg19) VCF-style: chr1-214830365-G-T.
Other names: short protein forms E2859*.
Identifiers: ClinVar variation 4856940 (VCV004856940.2).
Genomic context (GRCh38, chr1:214,657,022, plus strand): 5'-TTAACAACTGAGATCAAAGAACTGAAAGAAACTCTTGAAGAAAAAACCAAGGAGGCAGAT[G>T]AATACTTGGATAAGTACTGTTCCTTGCTTATAAGCCATGAAAAGTTAGAGAAAGCTAAAG-3'

ClinVar aggregate classification (germline): Likely pathogenic (1 of 4 stars; one submission).

Submission:

Dasa
Classification: Likely pathogenic. Last evaluated: 2026-02-12. Review status: criteria provided, single submitter. Criteria: DASA Assertion Criteria. Collection method: clinical testing. Allele origin: germline.
Comment: NM_016343.4(CENPF):c.8575G>T (p.Glu2859*) is a nonsense variant in CENPF predicted to introduce a premature termination codon and is predicted to result in an absent or altered protein product. Loss of function is an established disease mechanism for CENPF-associated disorders. Also, this variant is rare in population databases. Based on the currently available evidence, this variant is classified as likely pathogenic.